The following is an entry in ClinVar:

ClinVar aggregate classification (germline): Likely benign. Review status: criteria provided, multiple submitters, no conflicts (2 of 4 stars). 2 submissions from 2 submitters: Likely benign (2). Last evaluated 2024-01-22.

Allele frequency attached by ClinVar (database versions not stated): gnomAD 0.00001; TOPMed 0.00001.
gnomAD v4.1: 13 of 1,533,022 alleles (0.00085%); highest among the groups gnomAD compares: Non-Finnish European, 0.0011%; no homozygotes.

Submissions (2):

Blueprint Genetics
Classification: Likely benign. Last evaluated: 2024-01-22. Review status: criteria provided, single submitter. Criteria: ACMG Guidelines, 2015. Collection method: clinical testing. Allele origin: germline.

CeGaT Center for Human Genetics Tuebingen
Classification: Likely benign. Last evaluated: 2023-06-01. Review status: criteria provided, single submitter. Criteria: CeGaT Center For Human Genetics Tuebingen Variant Classification Criteria Version 2. Collection method: clinical testing. Allele origin: germline. Affected: yes. Observed: 1 variant allele.
Comment: DLG4: BP4, BP7

NM_001321075.3(DLG4):c.1620T>G (p.Leu540=)

Gene: DLG4 (discs large MAGUK scaffold protein 4; minus strand). Cytogenetic location: 17p13.1.
Variant type: single nucleotide variant.
Coding change: c.1620T>G on transcript NM_001321075.3 (MANE Select); coding-DNA position 1620, T replaced by G.
Protein change: p.Leu540=; no amino-acid change (leucine 540 retained).
Molecular consequence: synonymous variant. On other transcripts: non-coding transcript variant (1).
Genome position (GRCh38, 1-based): chr17:7,193,556, A>C on the plus strand (T>G on the coding strand, the complement: DLG4 is on the minus strand). VCF-style: chr17-7193556-A-C. GRCh37 (hg19) VCF-style: chr17-7096875-A-C.
Other names: c.1611T>G, p.Leu537= (NM_001128827.4); c.1740T>G, p.Leu580= (NM_001321074.1); c.1440T>G, p.Leu480= (NM_001321076.3, NM_001321077.3); c.1749T>G, p.Leu583= (NM_001365.5); c.1539T>G, p.Leu513= (NM_001369566.3).
Identifiers: ClinVar variation 2570970 (VCV002570970.28), dbSNP rs1305022957, ClinGen allele CA497615966.